The following is an entry in ClinVar:

NM_173598.6(KSR2):c.1428G>A (p.Pro476=)

Gene: KSR2 (kinase suppressor of ras 2; minus strand). Cytogenetic location: 12q24.22.
Variant type: single nucleotide variant.
Coding change: c.1428G>A on transcript NM_173598.6 (MANE Select); coding-DNA position 1428, G replaced by A.
Protein change: p.Pro476=; no amino-acid change (proline 476 retained).
Molecular consequence: synonymous variant.
Genome position (GRCh38, 1-based): chr12:117,555,259, C>T on the plus strand (G>A on the coding strand, the complement: KSR2 is on the minus strand). VCF-style: chr12-117555259-C-T. GRCh37 (hg19) VCF-style: chr12-117993064-C-T.
Other names: c.1341G>A (NM_173598.4).
Identifiers: ClinVar variation 1612361 (VCV001612361.12), dbSNP rs7955803, ClinGen allele CA6816017.

ClinVar aggregate classification (germline): Benign. Review status: criteria provided, multiple submitters, no conflicts (2 of 4 stars). 4 submissions from 4 submitters: Benign (3). 1 of the submissions does not count toward it. Last evaluated 2026-02-04.

Conditions:
KSR2-related disorder. Also called: KSR2-related condition.

Allele frequency attached by ClinVar (database versions not stated): 1000 Genomes Project 0.25240; TOPMed 0.25382; ExAC 0.25436; 1000 Genomes Project 30x 0.25468; ESP Exome Variant Server 0.25848.
gnomAD v4.1: 422,847 of 1,613,252 alleles (26%); highest among the groups gnomAD compares: South Asian, 31%; 56,747 homozygotes.

Submissions (4):

Labcorp Genetics (formerly Invitae), Labcorp
Classification: Benign. Last evaluated: 2026-02-04. Review status: criteria provided, single submitter. Criteria: Invitae Variant Classification Sherloc (09022015). Collection method: clinical testing. Allele origin: germline.

Blueprint Genetics
Classification: Benign. Last evaluated: 2024-11-27. Review status: criteria provided, single submitter. Criteria: ACMG Guidelines, 2015. Collection method: clinical testing. Allele origin: germline.

Breakthrough Genomics
Classification: Benign. Review status: criteria provided, single submitter. Criteria: ACMG Guidelines, 2015. Collection method: not provided. Allele origin: germline. Inheritance: Unknown mechanism. Affected: yes.

PreventionGenetics, part of Exact Sciences
Classification: Benign for KSR2-related condition. Last evaluated: 2020-03-17. Review status: no assertion criteria provided. Collection method: clinical testing. Allele origin: germline. Not counted in ClinVar's aggregate classification.
Comment: This variant is classified as benign based on ACMG/AMP sequence variant interpretation guidelines (Richards et al. 2015 PMID: 25741868, with internal and published modifications).